The following is an entry in ClinVar:

NM_020964.3(EPG5):c.5713C>T (p.Arg1905Trp)

Gene: EPG5 (ectopic P-granules 5 autophagy tethering factor; minus strand). Cytogenetic location: 18q12.3.
Variant type: single nucleotide variant.
Coding change: c.5713C>T on transcript NM_020964.3 (MANE Select); coding-DNA position 5713, C replaced by T.
Protein change: p.Arg1905Trp; replaces arginine 1905 with tryptophan.
Molecular consequence: missense variant.
Genome position (GRCh38, 1-based): chr18:45,879,169, G>A on the plus strand (C>T on the coding strand, the complement: EPG5 is on the minus strand). VCF-style: chr18-45879169-G-A. GRCh37 (hg19) VCF-style: chr18-43459134-G-A.
Other names: c.5713C>T, p.Arg1905Trp (LRG_1234t1); short protein forms R1905W.
Identifiers: ClinVar variation 453075 (VCV000453075.13), dbSNP rs759013844, ClinGen allele CA8948490.

ClinVar aggregate classification (germline): Conflicting classifications of pathogenicity. Review status: criteria provided, conflicting classifications (1 of 4 stars). 4 submissions from 4 submitters: Likely pathogenic (3); Uncertain significance (1). Last evaluated 2025-08-18.

Conditions:
EPG5-related disorder. Also called: EPG5-related condition. Identifiers: MedGen CN381528.
Vici syndrome (VICIS). Identifiers: Orphanet 1493, MedGen C1855772, MONDO:0009452, OMIM 242840.

Allele frequency attached by ClinVar (database versions not stated): gnomAD exomes below 0.00001 and 0.00001; ExAC 0.00001; TOPMed 0.00006.
gnomAD v4.1: 12 of 1,613,740 alleles (0.00074%); highest among the groups gnomAD compares: Non-Finnish European, 0.00059%; no homozygotes.

Submissions (4):

GeneDx
Classification: Likely pathogenic. Last evaluated: 2025-08-18. Review status: criteria provided, single submitter. Criteria: GeneDx Variant Classification Process June 2021. Collection method: clinical testing. Allele origin: germline. Affected: yes.
Comment: Observed with a second EPG5 variant in a patient with seizures, but it is not known whether the variants occurred on the same (in cis) or on different (in trans) chromosomes (PMID: 39342484); Not observed at significant frequency in large population cohorts (gnomAD); In silico analysis supports that this missense variant has a deleterious effect on protein structure/function; This variant is associated with the following publications: (PMID: 39342484)

PreventionGenetics, part of Exact Sciences
Classification: Likely pathogenic for EPG5-related condition. Last evaluated: 2025-02-21. Review status: criteria provided, single submitter. Criteria: ACMG Guidelines, 2015. Collection method: clinical testing. Allele origin: germline.
Comment: The EPG5 c.5713C>T variant is predicted to result in the amino acid substitution p.Arg1905Trp. This variant has been reported in the compound heterozygous state in a patient with focal and generalized seizures and spasticity (patient 8; Deneubourg et al. 2024. PubMed ID: 39342484. This variant is reported in 0.00088% of alleles in individuals of European (Non-Finnish) descent in gnomAD. A different variant affecting this amino acid has been reported in the homozygous state in a patient with seizures and behavioral changes and in the compound heterozygous state in a fetus with abnormal brain MRI findings (p.Arg1905Gln; patient 7; Deneubourg et al. 2024. PubMed ID: 39342484, patient 25; Wang et al. 2023. PubMed ID: 38318287). The c.5713C>T variant is interpreted as likely pathogenic.

Labcorp Genetics (formerly Invitae), Labcorp
Classification: Uncertain significance for Vici syndrome. Last evaluated: 2024-11-05. Review status: criteria provided, single submitter. Criteria: Invitae Variant Classification Sherloc (09022015). Collection method: clinical testing. Allele origin: germline.
Comment: This sequence change replaces arginine, which is basic and polar, with tryptophan, which is neutral and slightly polar, at codon 1905 of the EPG5 protein (p.Arg1905Trp). This variant is present in population databases (rs759013844, gnomAD 0.0009%). This variant has not been reported in the literature in individuals affected with EPG5-related conditions. ClinVar contains an entry for this variant (Variation ID: 453075). Invitae Evidence Modeling of protein sequence and biophysical properties (such as structural, functional, and spatial information, amino acid conservation, physicochemical variation, residue mobility, and thermodynamic stability) indicates that this missense variant is expected to disrupt EPG5 protein function with a positive predictive value of 80%. In summary, the available evidence is currently insufficient to determine the role of this variant in disease. Therefore, it has been classified as a Variant of Uncertain Significance.

Columbia University Laboratory of Personalized Genomic Medicine, Columbia University Medical Center
Classification: Likely pathogenic for Vici syndrome. Last evaluated: 2024-05-06. Review status: criteria provided, single submitter. Criteria: ACMG Guidelines, 2015. Collection method: clinical testing. Allele origin: germline. Inheritance: Autosomal recessive inheritance. Affected: yes. Observed: 1 homozygote.